The following is an entry in ClinVar:

NM_002615.7(SERPINF1):c.100G>A (p.Asp34Asn)

Genes: SERPINF1 (serpin family F member 1; plus strand), LOC130059891 (ATAC-STARR-seq lymphoblastoid active region 11456; plus strand). Cytogenetic location: 17p13.3.
Variant type: single nucleotide variant.
Coding change: c.100G>A on transcript NM_002615.7 (MANE Select); coding-DNA position 100, G replaced by A.
Protein change: p.Asp34Asn; replaces aspartic acid 34 with asparagine.
Molecular consequence: missense variant. On other transcripts: 5 prime UTR variant (1).
Genome position (GRCh38, 1-based): chr17:1,769,867, G>A. VCF-style: chr17-1769867-G-A. GRCh37 (hg19) VCF-style: chr17-1673161-G-A.
Other names: c.100G>A, p.Asp34Asn (NM_001329903.2); c.-462G>A (NM_001329904.2); c.100G>A (NM_002615.5); short protein forms D34N.
Identifiers: ClinVar variation 1409206 (VCV001409206.7), dbSNP rs369111028, ClinGen allele CA8274539.

ClinVar aggregate classification (germline): Uncertain significance. Review status: criteria provided, multiple submitters, no conflicts (2 of 4 stars). 2 submissions from 2 submitters: Uncertain significance (2). Last evaluated 2023-12-18.

Conditions:
Inborn genetic diseases. Identifiers: MedGen C0950123, MeSH D030342.

Allele frequency attached by ClinVar (database versions not stated): TOPMed 0.00012; ESP Exome Variant Server 0.00008; gnomAD 0.00009.
gnomAD v4.1: 56 of 1,614,068 alleles (0.0035%); highest among the groups gnomAD compares: African/African-American, 0.028%; no homozygotes.

Submissions (2):

Labcorp Genetics (formerly Invitae), Labcorp
Classification: Uncertain significance. Last evaluated: 2023-12-18. Review status: criteria provided, single submitter. Criteria: Invitae Variant Classification Sherloc (09022015). Collection method: clinical testing. Allele origin: germline.
Comment: This sequence change replaces aspartic acid, which is acidic and polar, with asparagine, which is neutral and polar, at codon 34 of the SERPINF1 protein (p.Asp34Asn). This variant is present in population databases (rs369111028, gnomAD 0.03%). This variant has not been reported in the literature in individuals affected with SERPINF1-related conditions. ClinVar contains an entry for this variant (Variation ID: 1409206). An algorithm developed to predict the effect of missense changes on protein structure and function (PolyPhen-2) suggests that this variant¬†is likely to be tolerated. In summary, the available evidence is currently insufficient to determine the role of this variant in disease. Therefore, it has been classified as a Variant of Uncertain Significance.

Ambry Genetics
Classification: Uncertain significance for Inborn genetic diseases. Last evaluated: 2021-08-23. Review status: criteria provided, single submitter. Criteria: Ambry Variant Classification Scheme 2023. Collection method: clinical testing. Allele origin: germline.